The following is an entry in ClinVar:

ClinVar aggregate classification (germline): Uncertain significance. Review status: criteria provided, multiple submitters, no conflicts (2 of 4 stars). 2 submissions from 2 submitters: Uncertain significance (2). Last evaluated 2025-12-16.

Conditions:
COL11A1-related disorder. Also called: COL11A1-related condition; COL11A1-related disorders.

gnomAD v4.1: 1 of 1,613,484 alleles (0.000062%); highest among the groups gnomAD compares: Non-Finnish European, 0.000085%; no homozygotes.

Submissions (2):

Labcorp Genetics (formerly Invitae), Labcorp
Classification: Uncertain significance. Last evaluated: 2025-12-16. Review status: criteria provided, single submitter. Criteria: Invitae Variant Classification Sherloc (09022015). Collection method: clinical testing. Allele origin: germline.
Comment: This sequence change replaces aspartic acid, which is acidic and polar, with alanine, which is neutral and non-polar, at codon 1338 of the COL11A1 protein (p.Asp1338Ala). This variant is not present in population databases (gnomAD no frequency). This variant has not been reported in the literature in individuals affected with COL11A1-related conditions. Invitae Evidence Modeling of protein sequence and biophysical properties (such as structural, functional, and spatial information, amino acid conservation, physicochemical variation, residue mobility, and thermodynamic stability) indicates that this missense variant is not expected to disrupt COL11A1 protein function with a negative predictive value of 80%. In summary, the available evidence is currently insufficient to determine the role of this variant in disease. Therefore, it has been classified as a Variant of Uncertain Significance.

PreventionGenetics, part of Exact Sciences
Classification: Uncertain significance for COL11A1-related condition. Last evaluated: 2024-12-21. Review status: criteria provided, single submitter. Criteria: ACMG Guidelines, 2015. Collection method: clinical testing. Allele origin: germline.
Comment: The COL11A1 c.4013A>C variant is predicted to result in the amino acid substitution p.Asp1338Ala. To our knowledge, this variant has not been reported in the literature or in a large population database (gnomAD), indicating this variant is rare. At this time, the clinical significance of this variant is uncertain due to the absence of conclusive functional and genetic evidence.

NM_001854.4(COL11A1):c.4013A>C (p.Asp1338Ala)

Gene: COL11A1 (collagen type XI alpha 1 chain; minus strand). Cytogenetic location: 1p21.1.
Variant type: single nucleotide variant.
Coding change: c.4013A>C on transcript NM_001854.4 (MANE Select); coding-DNA position 4013, A replaced by C.
Protein change: p.Asp1338Ala; replaces aspartic acid 1338 with alanine.
Molecular consequence: missense variant. On other transcripts: non-coding transcript variant (1).
Genome position (GRCh38, 1-based): chr1:102,913,656, T>G on the plus strand (A>C on the coding strand, the complement: COL11A1 is on the minus strand). VCF-style: chr1-102913656-T-G. GRCh37 (hg19) VCF-style: chr1-103379212-T-G.
Other names: c.3896A>C, p.Asp1299Ala (NM_001190709.2); c.4049A>C, p.Asp1350Ala (NM_080629.3); c.3665A>C, p.Asp1222Ala (NM_080630.4); c.4013A>C (NM_001854.3); short protein forms D1222A, D1299A, D1338A, D1350A.
Identifiers: ClinVar variation 4804144 (VCV004804144.2).
Genomic context (GRCh38, chr1:102,913,656, plus strand): 5'-ACTATGTAAAAACTTAAAAATAAATTAGTGCATTTACTCACCGGTTGACCAGGATCTCCA[T>G]CTTCACCCTTGTCACCACCAACACCATCTTGACCCTATAAGAGGCAATAAAATATGAAGC-3'
Protein context (NP_001845.3, residues 1328-1348): QDGVGGDKGE[Asp1338Ala]GDPGQPGPPG